The following is an entry in ClinVar:

ClinVar aggregate classification (germline): Uncertain significance (1 of 4 stars; one submission).

Allele frequency attached by ClinVar (database versions not stated): gnomAD exomes 0.00001 and 0.00002; ExAC 0.00002.

Submission:

Labcorp Genetics (formerly Invitae), Labcorp
Classification: Uncertain significance. Last evaluated: 2025-07-02. Review status: criteria provided, single submitter. Criteria: Invitae Variant Classification Sherloc (09022015). Collection method: clinical testing. Allele origin: germline.
Comment: This sequence change replaces methionine, which is neutral and non-polar, with valine, which is neutral and non-polar, at codon 1554 of the SCN3A protein (p.Met1554Val). This variant is present in population databases (rs761196437, gnomAD 0.009%). This variant has not been reported in the literature in individuals affected with SCN3A-related conditions. ClinVar contains an entry for this variant (Variation ID: 1061959). Invitae Evidence Modeling of protein sequence and biophysical properties (such as structural, functional, and spatial information, amino acid conservation, physicochemical variation, residue mobility, and thermodynamic stability) has been performed for this missense variant. However, the output from this modeling did not meet the statistical confidence thresholds required to predict the impact of this variant on SCN3A protein function. In summary, the available evidence is currently insufficient to determine the role of this variant in disease. Therefore, it has been classified as a Variant of Uncertain Significance.

NM_006922.4(SCN3A):c.4660A>G (p.Met1554Val)

Gene: SCN3A (sodium voltage-gated channel alpha subunit 3; minus strand). Cytogenetic location: 2q24.3.
Variant type: single nucleotide variant.
Coding change: c.4660A>G on transcript NM_006922.4 (MANE Select); coding-DNA position 4660, A replaced by G.
Protein change: p.Met1554Val; replaces methionine 1554 with valine.
Molecular consequence: missense variant.
Genome position (GRCh38, 1-based): chr2:165,092,401, T>C on the plus strand (A>G on the coding strand, the complement: SCN3A is on the minus strand). VCF-style: chr2-165092401-T-C. GRCh37 (hg19) VCF-style: chr2-165948911-T-C.
Other names: c.4513A>G, p.Met1505Val (NM_001081676.2, NM_001081677.2); short protein forms M1505V, M1554V.
Identifiers: ClinVar variation 1061959 (VCV001061959.9), dbSNP rs761196437, ClinGen allele CA1938526.